The following is an entry in ClinVar:

NM_004646.4(NPHS1):c.2384G>T (p.Arg795Met)

Gene: NPHS1 (NPHS1 adhesion molecule, nephrin; minus strand). Cytogenetic location: 19q13.12.
Variant type: single nucleotide variant.
Coding change: c.2384G>T on transcript NM_004646.4 (MANE Select); coding-DNA position 2384, G replaced by T.
Protein change: p.Arg795Met; replaces arginine 795 with methionine.
Molecular consequence: missense variant.
Genome position (GRCh38, 1-based): chr19:35,842,501, C>A on the plus strand (G>T on the coding strand, the complement: NPHS1 is on the minus strand). VCF-style: chr19-35842501-C-A. GRCh37 (hg19) VCF-style: chr19-36333403-C-A.
Other names: short protein forms R795M.
Identifiers: ClinVar variation 977122 (VCV000977122.2), dbSNP rs1973075631, ClinGen allele CA405393700.

ClinVar aggregate classification (germline): drug response (0 of 4 stars; one submission).

Conditions:
Corticosteroids response. Also called: Corticosteroid response.

gnomAD v4.1: 1 of 1,614,156 alleles (0.000062%); no homozygotes.

Submission:

Genetic Testing Lab, Ashok and Rita Patel Institute of Integrated Study and Research in Biotechnology and Allied Sciences
Classification: drug response for Corticosteroid response. Last evaluated: 2020-01-12. Review status: no assertion criteria provided. Collection method: research. Allele origin: somatic. Affected: yes. Observed: 27 variant alleles.
Comment: Depending upon patients response to standard corticosteroids therapy, they were classified to be either Steroid resistance(SRNS) or steroid sensitive(SSNS)